The following is an entry in ClinVar:

ClinVar aggregate classification (germline): Uncertain significance (1 of 4 stars; one submission).

Submission:

Mayo Clinic Laboratories, Mayo Clinic
Classification: Uncertain significance. Last evaluated: 2023-04-17. Review status: criteria provided, single submitter. Criteria: ACMG Guidelines, 2015. Collection method: clinical testing. Allele origin: germline. Observed: 1 variant allele.
Comment: BP4, PM2

NM_020821.3(VPS13C):c.6922A>G (p.Asn2308Asp)

Gene: VPS13C (vacuolar protein sorting 13 homolog C; minus strand). Cytogenetic location: 15q22.2.
Variant type: single nucleotide variant.
Coding change: c.6922A>G on transcript NM_020821.3 (MANE Select); coding-DNA position 6922, A replaced by G.
Protein change: p.Asn2308Asp; replaces asparagine 2308 with aspartic acid.
Molecular consequence: missense variant.
Genome position (GRCh38, 1-based): chr15:61,922,450, T>C on the plus strand (A>G on the coding strand, the complement: VPS13C is on the minus strand). VCF-style: chr15-61922450-T-C. GRCh37 (hg19) VCF-style: chr15-62214649-T-C.
Other names: p.Asn2308Asp; c.6922A>G, p.Asn2308Asp (NM_001018088.3); c.6793A>G, p.Asn2265Asp (NM_017684.5, NM_018080.4); short protein forms N2265D, N2308D.
Identifiers: ClinVar variation 2683311 (VCV002683311.1), dbSNP rs2547886323, ClinGen allele CA392685307.